The following is an entry in ClinVar:

ClinVar aggregate classification (germline): Uncertain significance (1 of 4 stars; one submission).

Conditions:
KBG syndrome (KBGS). Also called: ANKRD11-Related KBG Syndrome. Identifiers: Orphanet 2332, MedGen C0220687, MONDO:0007846, OMIM 148050.

gnomAD v4.1: 3 of 1,541,702 alleles (0.00019%); highest among the groups gnomAD compares: African/African-American, 0.0027%; no homozygotes.

Submission:

Labcorp Genetics (formerly Invitae), Labcorp
Classification: Uncertain significance for KBG syndrome. Last evaluated: 2025-04-20. Review status: criteria provided, single submitter. Criteria: Invitae Variant Classification Sherloc (09022015). Collection method: clinical testing. Allele origin: germline.
Comment: This sequence change replaces proline, which is neutral and non-polar, with alanine, which is neutral and non-polar, at codon 2245 of the ANKRD11 protein (p.Pro2245Ala). This variant is present in population databases (rs756897044, gnomAD 0.007%). This variant has not been reported in the literature in individuals affected with ANKRD11-related conditions. ClinVar contains an entry for this variant (Variation ID: 3637128). Invitae Evidence Modeling of protein sequence and biophysical properties (such as structural, functional, and spatial information, amino acid conservation, physicochemical variation, residue mobility, and thermodynamic stability) indicates that this missense variant is not expected to disrupt ANKRD11 protein function with a negative predictive value of 95%. In summary, the available evidence is currently insufficient to determine the role of this variant in disease. Therefore, it has been classified as a Variant of Uncertain Significance.

NM_013275.6(ANKRD11):c.6733C>G (p.Pro2245Ala)

Gene: ANKRD11 (ankyrin repeat domain 11; minus strand). Cytogenetic location: 16q24.3.
Variant type: single nucleotide variant.
Coding change: c.6733C>G on transcript NM_013275.6 (MANE Select); coding-DNA position 6733, C replaced by G.
Protein change: p.Pro2245Ala; replaces proline 2245 with alanine.
Molecular consequence: missense variant.
Genome position (GRCh38, 1-based): chr16:89,279,809, G>C on the plus strand (C>G on the coding strand, the complement: ANKRD11 is on the minus strand). VCF-style: chr16-89279809-G-C. GRCh37 (hg19) VCF-style: chr16-89346217-G-C.
Other names: c.6733C>G, p.Pro2245Ala (NM_001256182.2, NM_001256183.2); short protein forms P2245A.
Identifiers: ClinVar variation 3637128 (VCV003637128.2).